The following is an entry in ClinVar:

ClinVar aggregate classification (germline): Likely benign (1 of 4 stars; one submission).

Conditions:
Polyps, multiple and recurrent inflammatory fibroid, gastrointestinal. Identifiers: MedGen C5193005, MONDO:0008285, OMIM 175510.

Submission:

Myriad Genetics, Inc.
Classification: Likely benign for Polyps, multiple and recurrent inflammatory fibroid, gastrointestinal. Last evaluated: 2026-06-15. Review status: criteria provided, single submitter. Criteria: Myriad Autosomal Dominant, Autosomal Recessive and X-Linked Classification Criteria (2023). Collection method: clinical testing. Allele origin: unknown.
Comment: This variant is considered likely benign. This variant is intronic and is not expected to impact mRNA splicing.

NM_006206.6(PDGFRA):c.2003-16del

Gene: PDGFRA (platelet derived growth factor receptor alpha; plus strand). Cytogenetic location: 4q12.
Variant type: Deletion.
Coding change: c.2003-16del on transcript NM_006206.6 (MANE Select); 16 bases into the intron before coding-DNA position 2003, one base deleted (G; older notation c.2003-16delG).
Molecular consequence: intron variant.
Genome position (GRCh38, 1-based): chr4:54,278,346, G deleted; the last of 2 consecutive G bases (chr4:54,278,345-54,278,346); deleting either gives the same sequence. VCF-style (leftmost placement, unchanged base first): chr4-54278344-CG-C. GRCh37 (hg19) VCF-style: chr4-55144511-CG-C.
Other names: c.2078-16del (NM_001347828.2); c.2003-16del (NM_001347827.2, NM_001347829.2); c.2042-16del (NM_001347830.2).
Identifiers: ClinVar variation 4876044 (VCV004876044.1).